The following is an entry in ClinVar:

NC_000023.10:g.(?_9621627)_(9728886_?)dup

Genes: GPR143 (G protein-coupled receptor 143; minus strand), TBL1X (transducin beta like 1 X-linked; plus strand). Cytogenetic location: Xp22.2.
Variant type: Duplication.
Identifiers: ClinVar variation 2422765 (VCV002422765.4).

ClinVar aggregate classification (germline): Uncertain significance (1 of 4 stars; one submission).

Submission:

Labcorp Genetics (formerly Invitae), Labcorp
Classification: Uncertain significance. Last evaluated: 2023-06-26. Review status: criteria provided, single submitter. Criteria: Invitae Variant Classification Sherloc (09022015). Collection method: clinical testing. Allele origin: germline.
Comment: In summary, the available evidence is currently insufficient to determine the role of this variant in disease. Therefore, it has been classified as a Variant of Uncertain Significance. Experimental studies and prediction algorithms are not available or were not evaluated, and the functional significance of this variant is currently unknown. This variant has not been reported in the literature in individuals affected with GPR143-related conditions. This variant results in a copy number gain of the genomic region encompassing exon(s) 2-9 of the GPR143 gene. This region includes the termination codon of the gene. This copy number gain extends beyond the assayed region for this gene and therefore may encompass additional genes. As the precise location of this event is unknown, it may be in tandem or it may be located elsewhere in the genome.